The following is an entry in ClinVar:

ClinVar aggregate classification (germline): Likely benign. Review status: criteria provided, multiple submitters, no conflicts (2 of 4 stars). 3 submissions from 3 submitters: Likely benign (3). Last evaluated 2026-03-01.

Allele frequency attached by ClinVar (database versions not stated): gnomAD exomes 0.00004 and 0.00010; gnomAD 0.00005 and 0.00006; TOPMed 0.00006; ExAC 0.00007; ESP Exome Variant Server 0.00008.
gnomAD v4.1: 157 of 1,614,094 alleles (0.0097%); highest among the groups gnomAD compares: Non-Finnish European, 0.013%; no homozygotes.

Submissions (3):

CeGaT Center for Human Genetics Tuebingen
Classification: Likely benign. Last evaluated: 2026-03-01. Review status: criteria provided, single submitter. Criteria: CeGaT Center For Human Genetics Tuebingen Variant Classification Criteria Version 2. Collection method: clinical testing. Allele origin: germline. Affected: yes. Observed: 1 variant allele.
Comment: PRPF6: BP4, BP7

Labcorp Genetics (formerly Invitae), Labcorp
Classification: Likely benign. Last evaluated: 2025-11-19. Review status: criteria provided, single submitter. Criteria: Invitae Variant Classification Sherloc (09022015). Collection method: clinical testing. Allele origin: germline.

Blueprint Genetics
Classification: Likely benign. Last evaluated: 2023-09-20. Review status: criteria provided, single submitter. Criteria: ACMG Guidelines, 2015. Collection method: clinical testing. Allele origin: germline.

NM_012469.4(PRPF6):c.192G>A (p.Gln64=)

Gene: PRPF6 (pre-mRNA processing factor 6; plus strand). Cytogenetic location: 20q13.33.
Variant type: single nucleotide variant.
Coding change: c.192G>A on transcript NM_012469.4 (MANE Select); coding-DNA position 192, G replaced by A.
Protein change: p.Gln64=; no amino-acid change (glutamine 64 retained).
Molecular consequence: synonymous variant.
Genome position (GRCh38, 1-based): chr20:63,983,167, G>A. VCF-style: chr20-63983167-G-A. GRCh37 (hg19) VCF-style: chr20-62614520-G-A.
Identifiers: ClinVar variation 1080755 (VCV001080755.15), dbSNP rs150071028, ClinGen allele CA9971824.